The following is an entry in ClinVar:

ClinVar aggregate classification (germline): Uncertain significance (1 of 4 stars; one submission).

Submission:

GeneDx
Classification: Uncertain significance. Last evaluated: 2022-12-09. Review status: criteria provided, single submitter. Criteria: GeneDx Variant Classification Process June 2021. Collection method: clinical testing. Allele origin: germline. Affected: yes.
Comment: Frameshift variant predicted to result in protein truncation or nonsense mediated decay in a gene or region of a gene for which loss of function is not a well-established mechanism of disease; Not observed at significant frequency in large population cohorts (gnomAD); Has not been previously published as pathogenic or benign to our knowledge

NM_014231.5(VAMP1):c.232_233del (p.Gln78fs)

Genes: TAPBPL (TAP binding protein like; plus strand), VAMP1 (vesicle associated membrane protein 1; minus strand). Cytogenetic location: 12p13.31.
Variant type: Microsatellite.
Coding change: c.232_233del on transcript NM_014231.5 (MANE Select); coding-DNA positions 232 to 233, 2 bases deleted (CA; older notation c.232_233delCA).
Protein change: p.Gln78fs; shifts the reading frame from glutamine 78.
Molecular consequence: frameshift variant. On other transcripts: non-coding transcript variant (1).
Genome position (GRCh38, 1-based): chr12:6,465,897-6,465,898, TG deleted on the plus strand (CA on the coding strand, the reverse complement: VAMP1 is on the minus strand); deleting any 2 consecutive bases within chr12:6,465,897-6,465,900 gives the same sequence; the c. name uses the placement nearest the transcript's 3' end. VCF-style (leftmost placement, unchanged base first): chr12-6465896-TTG-T. GRCh37 (hg19) VCF-style: chr12-6575062-TTG-T.
Other names: c.232_233del, p.Gln78fs (NM_001297438.2, NM_016830.4, NM_199245.3); short protein forms Q78fs.
Identifiers: ClinVar variation 2504968 (VCV002504968.1), dbSNP rs1950011329, ClinGen allele CA2014088535.
Genomic context (GRCh38, chr12:6,465,896, plus strand): 5'-ATTCACCTTGCAGTTTTTCCACCAATACTTCCTCTTTAGCTTGGCAGCACTGCTCTCAAA[TTG>T]TGATGCTCCTGCCTGCAAGGCATCAGCTCGGTCATCCAGCTCTGACAGCTTCTGGTCCCT-3'